The following is an entry in ClinVar:

ClinVar aggregate classification (germline): Pathogenic/Likely pathogenic. Review status: criteria provided, multiple submitters, no conflicts (2 of 4 stars). 2 submissions from 2 submitters: Pathogenic (1); Likely pathogenic (1). Last evaluated 2025-03-19.

Conditions:
Autosomal dominant Alport syndrome (ATS3A). Also called: Alport syndrome dominant type; Renal failure and sensorineural hearing loss; ALPORT SYNDROME 3A, AUTOSOMAL DOMINANT. Identifiers: Orphanet 63, Orphanet 88918, MedGen C5882663, MONDO:0007086, OMIM 104200.
Alport syndrome 3b, autosomal recessive. Identifiers: MedGen C5882699, MONDO:0957811, OMIM 620536.
Hematuria, benign familial, 2 (BFH2). Identifiers: MedGen C5830421, MONDO:0958186, OMIM 620320.

Submissions (2):

MVZ Medizinische Genetik Mainz
Classification: Pathogenic for Autosomal dominant Alport syndrome. Last evaluated: 2025-03-19. Review status: criteria provided, single submitter. Criteria: UK Practice Guidelines For Variant Classification V4 01 2020. Collection method: clinical testing. Allele origin: germline. Inheritance: Autosomal dominant inheritance. Affected: yes. Observed: 1 variant allele.
Comment: ACMG Criteria: PM1_STR,PS4_MOD,PM2_SUP,PM5_SUP,PP3,PP4

Fulgent Genetics
Classification: Likely pathogenic for Autosomal dominant Alport syndrome; Hematuria, benign familial, 2; Alport syndrome 3b, autosomal recessive. Last evaluated: 2024-05-18. Review status: criteria provided, single submitter. Criteria: ACMG Guidelines, 2015. Collection method: clinical testing. Allele origin: germline.

NM_000091.5(COL4A3):c.1900G>A (p.Gly634Arg)

Genes: COL4A3 (collagen type IV alpha 3 chain; plus strand), MFF-DT (MFF divergent transcript; minus strand). Cytogenetic location: 2q36.3.
Variant type: single nucleotide variant.
Coding change: c.1900G>A on transcript NM_000091.5 (MANE Select); coding-DNA position 1900, G replaced by A.
Protein change: p.Gly634Arg; replaces glycine 634 with arginine.
Molecular consequence: missense variant.
Genome position (GRCh38, 1-based): chr2:227,273,090, G>A. VCF-style: chr2-227273090-G-A. GRCh37 (hg19) VCF-style: chr2-228137806-G-A.
Other names: short protein forms G634R.
Identifiers: ClinVar variation 397632 (VCV000397632.3), dbSNP rs1060499696.